The following is an entry in ClinVar:

ClinVar aggregate classification (germline): Likely benign. Review status: criteria provided, single submitter (1 of 4 stars). 2 submissions from 2 submitters: Likely benign (1). 1 of the submissions does not count toward it. Last evaluated 2023-08-01.

Conditions:
PCNT-related disorder. Also called: PCNT-related condition.

Allele frequency attached by ClinVar (database versions not stated): ExAC 0.00001; gnomAD 0.00001.
gnomAD v4.1: 6 of 1,613,566 alleles (0.00037%); highest among the groups gnomAD compares: Admixed American, 0.0033%; no homozygotes.

Submissions (2):

Labcorp Genetics (formerly Invitae), Labcorp
Classification: Likely benign. Last evaluated: 2023-08-01. Review status: criteria provided, single submitter. Criteria: Invitae Variant Classification Sherloc (09022015). Collection method: clinical testing. Allele origin: germline.

PreventionGenetics, part of Exact Sciences
Classification: Likely benign for PCNT-related condition. Last evaluated: 2022-03-10. Review status: no assertion criteria provided. Collection method: clinical testing. Allele origin: germline. Not counted in ClinVar's aggregate classification.
Comment: This variant is classified as likely benign based on ACMG/AMP sequence variant interpretation guidelines (Richards et al. 2015 PMID: 25741868, with internal and published modifications).

NM_006031.6(PCNT):c.5328C>T (p.Leu1776=)

Gene: PCNT (pericentrin; plus strand). Cytogenetic location: 21q22.3.
Variant type: single nucleotide variant.
Coding change: c.5328C>T on transcript NM_006031.6 (MANE Select); coding-DNA position 5328, C replaced by T.
Protein change: p.Leu1776=; no amino-acid change (leucine 1776 retained).
Molecular consequence: synonymous variant.
Genome position (GRCh38, 1-based): chr21:46,411,401, C>T. VCF-style: chr21-46411401-C-T. GRCh37 (hg19) VCF-style: chr21-47831315-C-T.
Other names: c.4974C>T, p.Leu1658= (NM_001315529.2); c.5328C>T (NM_006031.5).
Identifiers: ClinVar variation 2723764 (VCV002723764.4), dbSNP rs746383364, ClinGen allele CA10079947.